The following is an entry in ClinVar:

NM_145207.3(AFG2A):c.566A>G (p.Lys189Arg)

Gene: AFG2A (AAA ATPase AFG2A; plus strand). Cytogenetic location: 4q28.1.
Variant type: single nucleotide variant.
Coding change: c.566A>G on transcript NM_145207.3 (MANE Select); coding-DNA position 566, A replaced by G.
Protein change: p.Lys189Arg; replaces lysine 189 with arginine.
Molecular consequence: missense variant.
Genome position (GRCh38, 1-based): chr4:122,934,157, A>G. VCF-style: chr4-122934157-A-G. GRCh37 (hg19) VCF-style: chr4-123855312-A-G.
Other names: c.563A>G, p.Lys188Arg (NM_001317799.2, NM_001345856.2); short protein forms K188R, K189R.
Identifiers: ClinVar variation 1016660 (VCV001016660.4), dbSNP rs377611654, ClinGen allele CA104812876.

ClinVar aggregate classification (germline): Uncertain significance (1 of 4 stars; one submission).

Conditions:
Microcephaly-intellectual disability-sensorineural hearing loss-epilepsy-abnormal muscle tone syndrome (NEDHSB). Also called: NEURODEVELOPMENTAL DISORDER WITH HEARING LOSS, SEIZURES, AND BRAIN ABNORMALITIES. Identifiers: Orphanet 457351, MedGen C4225276, MONDO:0014698, OMIM 616577.

Allele frequency attached by ClinVar (database versions not stated): TOPMed 0.00001.

Submission:

Labcorp Genetics (formerly Invitae), Labcorp
Classification: Uncertain significance for Microcephaly-intellectual disability-sensorineural hearing loss-epilepsy-abnormal muscle tone syndrome. Last evaluated: 2020-10-12. Review status: criteria provided, single submitter. Criteria: Invitae Variant Classification Sherloc (09022015). Collection method: clinical testing. Allele origin: germline.
Comment: This sequence change replaces lysine with arginine at codon 189 of the SPATA5 protein (p.Lys189Arg). The lysine residue is moderately conserved and there is a small physicochemical difference between lysine and arginine. This variant is not present in population databases (ExAC no frequency). This variant has not been reported in the literature in individuals with SPATA5-related conditions. Algorithms developed to predict the effect of missense changes on protein structure and function output the following: SIFT: "Tolerated"; PolyPhen-2: "Benign"; Align-GVGD: "Class C0". The arginine amino acid residue is found in multiple mammalian species, suggesting that this missense change does not adversely affect protein function. These predictions have not been confirmed by published functional studies and their clinical significance is uncertain. Algorithms developed to predict the effect of sequence changes on RNA splicing suggest that this variant may create or strengthen a splice site, but this prediction has not been confirmed by published transcriptional studies. In summary, the available evidence is currently insufficient to determine the role of this variant in disease. Therefore, it has been classified as a Variant of Uncertain Significance.